The following is an entry in ClinVar:

NM_004438.5(EPHA4):c.335C>T (p.Pro112Leu)

Gene: EPHA4 (EPH receptor A4; minus strand). Cytogenetic location: 2q36.1.
Variant type: single nucleotide variant.
Coding change: c.335C>T on transcript NM_004438.5 (MANE Select); coding-DNA position 335, C replaced by T.
Protein change: p.Pro112Leu; replaces proline 112 with leucine.
Molecular consequence: missense variant.
Genome position (GRCh38, 1-based): chr2:221,564,219, G>A on the plus strand (C>T on the coding strand, the complement: EPHA4 is on the minus strand). VCF-style: chr2-221564219-G-A. GRCh37 (hg19) VCF-style: chr2-222428939-G-A.
Other names: c.335C>T, p.Pro112Leu (NM_001304536.2, NM_001363748.2); c.182C>T, p.Pro61Leu (NM_001304537.2); short protein forms P61L, P112L.
Identifiers: ClinVar variation 2130377 (VCV002130377.4), dbSNP rs1255538022, ClinGen allele CA350410475.

ClinVar aggregate classification (germline): Uncertain significance (1 of 4 stars; one submission).

Allele frequency attached by ClinVar (database versions not stated): gnomAD exomes below 0.00001; gnomAD 0.00001; TOPMed 0.00001.
gnomAD v4.1: 5 of 1,613,944 alleles (0.00031%); highest among the groups gnomAD compares: African/African-American, 0.0013%; no homozygotes.

Submission:

Labcorp Genetics (formerly Invitae), Labcorp
Classification: Uncertain significance. Last evaluated: 2022-04-24. Review status: criteria provided, single submitter. Criteria: Invitae Variant Classification Sherloc (09022015). Collection method: clinical testing. Allele origin: germline.
Comment: This variant has not been reported in the literature in individuals affected with EPHA4-related conditions. Algorithms developed to predict the effect of missense changes on protein structure and function (SIFT, PolyPhen-2, Align-GVGD) all suggest that this variant is likely to be disruptive. In summary, the available evidence is currently insufficient to determine the role of this variant in disease. Therefore, it has been classified as a Variant of Uncertain Significance. This variant is present in population databases (no rsID available, gnomAD 0.007%). This sequence change replaces proline, which is neutral and non-polar, with leucine, which is neutral and non-polar, at codon 112 of the EPHA4 protein (p.Pro112Leu).